The following is an entry in ClinVar:

ClinVar aggregate classification (germline): Uncertain significance. Review status: criteria provided, multiple submitters, no conflicts (2 of 4 stars). 3 submissions from 3 submitters: Uncertain significance (3). Last evaluated 2025-08-30.

Conditions:
Malignant hyperthermia, susceptibility to, 1 (MHS1). Also called: RYR1-Related Malignant Hyperthermia Susceptibility; Malignant hyperthermia suceptibility 1; Anesthesia related hyperthermia; Malignant hyperpyrexia; Fulminating hyperpyrexia; Pharmacogenic myopathy. Identifiers: Orphanet 423, MedGen C2930980, MONDO:0007783, OMIM 145600.
RYR1-related disorder. Also called: RYR1-related condition; RYR1-related disorders. Identifiers: MedGen CN239331.

Allele frequency attached by ClinVar (database versions not stated): 1000 Genomes Project 30x 0.00016; 1000 Genomes Project 0.00020.
gnomAD v4.1: 23 of 1,606,740 alleles (0.0014%); highest among the groups gnomAD compares: South Asian, 0.0022%; no homozygotes.

Submissions (3):

Color Diagnostics, LLC DBA Color Health
Classification: Uncertain significance for Malignant hyperthermia, susceptibility to, 1. Last evaluated: 2025-08-30. Review status: criteria provided, single submitter. Criteria: ACMG Guidelines, 2015. Collection method: clinical testing. Allele origin: germline.
Comment: This missense variant replaces arginine with glutamine at codon 3395 of the RYR1 protein. Computational prediction suggests that this variant may not impact protein structure and function. To our knowledge, functional studies have not been reported for this variant. This variant has not been reported in individuals affected with RYR1-related disorders in the literature. This variant has been identified in 2/233616 chromosomes in the general population by the Genome Aggregation Database (gnomAD). The available evidence is insufficient to determine the role of this variant in disease conclusively. Therefore, this variant is classified as a Variant of Uncertain Significance.

Labcorp Genetics (formerly Invitae), Labcorp
Classification: Uncertain significance for RYR1-related disorder. Last evaluated: 2024-06-01. Review status: criteria provided, single submitter. Criteria: Invitae Variant Classification Sherloc (09022015). Collection method: clinical testing. Allele origin: germline.
Comment: This sequence change replaces arginine, which is basic and polar, with glutamine, which is neutral and polar, at codon 3395 of the RYR1 protein (p.Arg3395Gln). This variant is present in population databases (rs543161252, gnomAD 0.003%). This variant has not been reported in the literature in individuals affected with RYR1-related conditions. ClinVar contains an entry for this variant (Variation ID: 955849). Advanced modeling of protein sequence and biophysical properties (such as structural, functional, and spatial information, amino acid conservation, physicochemical variation, residue mobility, and thermodynamic stability) has been performed at Invitae for this missense variant, however the output from this modeling did not meet the statistical confidence thresholds required to predict the impact of this variant on RYR1 protein function. In summary, the available evidence is currently insufficient to determine the role of this variant in disease. Therefore, it has been classified as a Variant of Uncertain Significance.

All of Us Research Program, National Institutes of Health
Classification: Uncertain significance for Malignant hyperthermia, susceptibility to, 1. Last evaluated: 2023-11-20. Review status: criteria provided, single submitter. Criteria: ACMG Guidelines, 2015. Collection method: clinical testing. Allele origin: germline. Inheritance: Autosomal dominant inheritance. Observed: 3 variant alleles, 3 heterozygotes.
Comment: This missense variant replaces arginine with glutamine at codon 3395 of the RYR1 protein. Computational prediction suggests that this variant may not impact protein structure and function (internally defined REVEL score threshold <= 0.5, PMID: 27666373). To our knowledge, functional studies have not been reported for this variant. This variant has not been reported in individuals affected with RYR1-related disorders in the literature. This variant has been identified in 2/233616 chromosomes in the general population by the Genome Aggregation Database (gnomAD). The available evidence is insufficient to determine the role of this variant in disease conclusively. Therefore, this variant is classified as a Variant of Uncertain Significance.

This study involves interpretation of variants in research participants for the purpose of population health screening. Participant phenotype was not available at the time of variant classification. Additional details can be found in publication PMID: 35346344, PMCID: PMC8962531

NM_000540.3(RYR1):c.10184G>A (p.Arg3395Gln)

Gene: RYR1 (ryanodine receptor 1; plus strand). Cytogenetic location: 19q13.2.
Variant type: single nucleotide variant.
Coding change: c.10184G>A on transcript NM_000540.3 (MANE Select); coding-DNA position 10184, G replaced by A.
Protein change: p.Arg3395Gln; replaces arginine 3395 with glutamine.
Molecular consequence: missense variant.
Genome position (GRCh38, 1-based): chr19:38,519,379, G>A. VCF-style: chr19-38519379-G-A. GRCh37 (hg19) VCF-style: chr19-39010019-G-A.
Other names: c.10184G>A, p.Arg3395Gln (NM_001042723.2); short protein forms R3395Q.
Identifiers: ClinVar variation 955849 (VCV000955849.8), dbSNP rs543161252, ClinGen allele CA052530.